The following is an entry in ClinVar:

NM_006514.4(SCN10A):c.3347C>T (p.Thr1116Ile)

Genes: SCN10A (sodium voltage-gated channel alpha subunit 10; minus strand), LOC110121288 (VISTA enhancer hs2268; plus strand). Cytogenetic location: 3p22.2.
Variant type: single nucleotide variant.
Coding change: c.3347C>T on transcript NM_006514.4 (MANE Select); coding-DNA position 3347, C replaced by T.
Protein change: p.Thr1116Ile; replaces threonine 1116 with isoleucine.
Molecular consequence: missense variant.
Genome position (GRCh38, 1-based): chr3:38,723,435, G>A on the plus strand (C>T on the coding strand, the complement: SCN10A is on the minus strand). VCF-style: chr3-38723435-G-A. GRCh37 (hg19) VCF-style: chr3-38764926-G-A.
Other names: c.3344C>T, p.Thr1115Ile (NM_001293306.2); c.3053C>T, p.Thr1018Ile (NM_001293307.2); short protein forms T1018I, T1115I, T1116I.
Identifiers: ClinVar variation 1393883 (VCV001393883.8), dbSNP rs778116360, ClinGen allele CA2320273.

ClinVar aggregate classification (germline): Uncertain significance (1 of 4 stars; one submission).

Conditions:
Brugada syndrome. Also called: Sudden Unexplained Death Syndrome; Sudden Unexplained Nocturnal Death Syndrome (SUNDS); Sudden unexplained nocturnal death syndrome; Sudden unexpected nocturnal death syndrome. Identifiers: Orphanet 130, MedGen C1142166, MONDO:0015263.

Allele frequency attached by ClinVar (database versions not stated): gnomAD exomes below 0.00001; ExAC 0.00001.
gnomAD v4.1: 1 of 1,614,182 alleles (0.000062%); highest among the groups gnomAD compares: Non-Finnish European, 0.000085%; no homozygotes.

Submission:

Labcorp Genetics (formerly Invitae), Labcorp
Classification: Uncertain significance for Brugada syndrome. Last evaluated: 2021-04-12. Review status: criteria provided, single submitter. Criteria: Invitae Variant Classification Sherloc (09022015). Collection method: clinical testing. Allele origin: germline.
Comment: Advanced modeling of protein sequence and biophysical properties (such as structural, functional, and spatial information, amino acid conservation, physicochemical variation, residue mobility, and thermodynamic stability) performed at Invitae indicates that this missense variant is expected to disrupt SCN10A protein function. In summary, the available evidence is currently insufficient to determine the role of this variant in disease. Therefore, it has been classified as a Variant of Uncertain Significance. This variant has not been reported in the literature in individuals with SCN10A-related conditions. The frequency data for this variant in the population databases is considered unreliable, as metrics indicate poor data quality at this position in the ExAC database. This sequence change replaces threonine with isoleucine at codon 1116 of the SCN10A protein (p.Thr1116Ile). The threonine residue is moderately conserved and there is a moderate physicochemical difference between threonine and isoleucine.